The following is an entry in ClinVar:

NM_001876.4(CPT1A):c.1573dup (p.Glu525fs)

Gene: CPT1A (carnitine palmitoyltransferase 1A; minus strand). Cytogenetic location: 11q13.3.
Variant type: Duplication.
Coding change: c.1573dup on transcript NM_001876.4 (MANE Select); coding-DNA position 1573, one base duplicated (G; older notation c.1573dupG).
Protein change: p.Glu525fs; shifts the reading frame from glutamic acid 525.
Molecular consequence: frameshift variant.
Genome position (GRCh38, 1-based): chr11:68,775,318, C duplicated on the plus strand (G on the coding strand, the reverse complement: CPT1A is on the minus strand); the first of 5 consecutive C bases (chr11:68,775,318-68,775,322); duplicating any one gives the same sequence. VCF-style (leftmost placement, unchanged base first): chr11-68775317-T-TC. GRCh37 (hg19) VCF-style: chr11-68542785-T-TC.
Other names: c.1573dup, p.Glu525fs (NM_001031847.3); short protein forms E525fs.
Identifiers: ClinVar variation 1456102 (VCV001456102.8), dbSNP rs1855113733, ClinGen allele CA2573147545.
Genomic context (GRCh38, chr11:68,775,317, plus strand): 5'-GACTTCAAATGTGTTTCCCATCCCAGGTAAGTAACAATGGTTGGATAATCCGGACTTACT[T>TC]CCCCCGGGATGTCCCACTGCAGCCTGGTGGGGTACGGAATGTTCGGATTGATGTCGCCTT-3'

ClinVar aggregate classification (germline): Pathogenic. Review status: criteria provided, multiple submitters, no conflicts (2 of 4 stars). 2 submissions from 2 submitters: Pathogenic (2). Last evaluated 2024-01-01.

Conditions:
Carnitine palmitoyl transferase 1A deficiency. Also called: CPT I DEFICIENCY; CPT DEFICIENCY, HEPATIC, TYPE I; CPT deficiency, hepatic, type IA; Carnitine palmitoyltransferase 1A deficiency; Carnitine palmitoyltransferase type I deficiency. Identifiers: Orphanet 156, MedGen C1829703, MONDO:0009705, OMIM 255120.

Submissions (2):

Daryl Scott Lab, Baylor College of Medicine
Classification: Pathogenic for Carnitine palmitoyl transferase 1A deficiency. Last evaluated: 2024-01-01. Review status: criteria provided, single submitter. Criteria: ACMG Guidelines, 2015. Collection method: clinical testing. Allele origin: biparental. Affected: yes. Observed: 1 homozygote.
Comment: PVS1, PM2

Labcorp Genetics (formerly Invitae), Labcorp
Classification: Pathogenic for Carnitine palmitoyl transferase 1A deficiency. Last evaluated: 2023-03-18. Review status: criteria provided, single submitter. Criteria: Invitae Variant Classification Sherloc (09022015). Collection method: clinical testing. Allele origin: germline.
Comment: This sequence change creates a premature translational stop signal (p.Glu525Glyfs*32) in the CPT1A gene. It is expected to result in an absent or disrupted protein product. Loss-of-function variants in CPT1A are known to be pathogenic (PMID: 16169268). This variant is not present in population databases (gnomAD no frequency). This variant has not been reported in the literature in individuals affected with CPT1A-related conditions. ClinVar contains an entry for this variant (Variation ID: 1456102). For these reasons, this variant has been classified as Pathogenic.

Literature cited by the submitters: PubMed 16169268 (cited by Labcorp Genetics (formerly Invitae), Labcorp).